The following is an entry in ClinVar:

NM_000428.3(LTBP2):c.2784T>C (p.Cys928=)

Gene: LTBP2 (latent transforming growth factor beta binding protein 2; minus strand). Cytogenetic location: 14q24.3.
Variant type: single nucleotide variant.
Coding change: c.2784T>C on transcript NM_000428.3 (MANE Select); coding-DNA position 2784, T replaced by C.
Protein change: p.Cys928=; no amino-acid change (cysteine 928 retained).
Molecular consequence: synonymous variant.
Genome position (GRCh38, 1-based): chr14:74,521,915, A>G on the plus strand (T>C on the coding strand, the complement: LTBP2 is on the minus strand). VCF-style: chr14-74521915-A-G. GRCh37 (hg19) VCF-style: chr14-74988618-A-G.
Other names: c.2784T>C (NM_000428.2).
Identifiers: ClinVar variation 1577234 (VCV001577234.10), dbSNP rs140090189, ClinGen allele CA7269392.

ClinVar aggregate classification (germline): Likely benign. Review status: criteria provided, single submitter (1 of 4 stars). 2 submissions from 2 submitters: Likely benign (1). 1 of the submissions does not count toward it. Last evaluated 2025-03-05.

Conditions:
LTBP2-related disorder. Also called: LTBP2-related condition; LTBP2-related disorders.

Allele frequency attached by ClinVar (database versions not stated): gnomAD exomes 0.00002 and 0.00009; ExAC 0.00010; gnomAD 0.00027 and 0.00031; TOPMed 0.00031; ESP Exome Variant Server 0.00046.
gnomAD v4.1: 81 of 1,613,972 alleles (0.005%); highest among the groups gnomAD compares: African/African-American, 0.087%; no homozygotes.

Submissions (2):

Labcorp Genetics (formerly Invitae), Labcorp
Classification: Likely benign. Last evaluated: 2025-03-05. Review status: criteria provided, single submitter. Criteria: Invitae Variant Classification Sherloc (09022015). Collection method: clinical testing. Allele origin: germline.

PreventionGenetics, part of Exact Sciences
Classification: Likely benign for LTBP2-related condition. Last evaluated: 2019-06-18. Review status: no assertion criteria provided. Collection method: clinical testing. Allele origin: germline. Not counted in ClinVar's aggregate classification.
Comment: This variant is classified as likely benign based on ACMG/AMP sequence variant interpretation guidelines (Richards et al. 2015 PMID: 25741868, with internal and published modifications).